The following is an entry in ClinVar:

NM_002617.4(PEX10):c.116C>T (p.Ala39Val)

Gene: PEX10 (peroxisomal biogenesis factor 10; minus strand). Cytogenetic location: 1p36.32.
Variant type: single nucleotide variant.
Coding change: c.116C>T on transcript NM_002617.4 (MANE Select); coding-DNA position 116, C replaced by T.
Protein change: p.Ala39Val; replaces alanine 39 with valine.
Molecular consequence: missense variant. On other transcripts: 5 prime UTR variant (2), non-coding transcript variant (1).
Genome position (GRCh38, 1-based): chr1:2,410,448, G>A on the plus strand (C>T on the coding strand, the complement: PEX10 is on the minus strand). VCF-style: chr1-2410448-G-A. GRCh37 (hg19) VCF-style: chr1-2341887-G-A.
Other names: p.Ala39Val; c.116C>T, p.Ala39Val (NM_001374425.1, NM_153818.2); c.-317C>T (NM_001374426.1, NM_001374427.1); short protein forms A39V.
Identifiers: ClinVar variation 592470 (VCV000592470.13), dbSNP rs149421567, ClinGen allele CA538288.
Genomic context (GRCh38, chr1:2,410,448, plus strand): 5'-CCAAAGTAGGCCACATCTGAGAGCAGCTCAACCTCCTTCCTCCACTCCAGCCACTTCCTC[G>A]CACCTGAGAGGAGAAACAGTATTAGTCCGGGGGAGCTGGTGGGCATCCTCTGAGGATGAG-3'
Protein context (NP_002608.1, residues 29-49): AGGALHSLAG[Ala39Val]RKWLEWRKEV

ClinVar aggregate classification (germline): Uncertain significance. Review status: criteria provided, multiple submitters, no conflicts (2 of 4 stars). 5 submissions from 5 submitters: Uncertain significance (4). 1 of the submissions does not count toward it. Last evaluated 2024-12-02.

Conditions:
Peroxisome biogenesis disorder, complementation group 7 (CG7). Also called: Peroxisome biogenesis disorder, complementation group B. Identifiers: MedGen C1864399.
PEX10-related disorder. Also called: PEX10-related condition.

Allele frequency attached by ClinVar (database versions not stated): gnomAD exomes 0.00002 and 0.00006; ExAC 0.00007; TOPMed 0.00017; ESP Exome Variant Server 0.00023; gnomAD 0.00024 and 0.00025; 1000 Genomes Project 30x 0.00078; 1000 Genomes Project 0.00080.

Submissions (5):

Labcorp Genetics (formerly Invitae), Labcorp
Classification: Uncertain significance for Peroxisome biogenesis disorder, complementation group 7. Last evaluated: 2024-12-02. Review status: criteria provided, single submitter. Criteria: Invitae Variant Classification Sherloc (09022015). Collection method: clinical testing. Allele origin: germline.
Comment: This sequence change replaces alanine, which is neutral and non-polar, with valine, which is neutral and non-polar, at codon 39 of the PEX10 protein (p.Ala39Val). This variant is present in population databases (rs149421567, gnomAD 0.07%). This variant has not been reported in the literature in individuals affected with PEX10-related conditions. ClinVar contains an entry for this variant (Variation ID: 592470). An algorithm developed to predict the effect of missense changes on protein structure and function (PolyPhen-2) suggests that this variant¬†is likely to be tolerated. In summary, the available evidence is currently insufficient to determine the role of this variant in disease. Therefore, it has been classified as a Variant of Uncertain Significance.

Blueprint Genetics
Classification: Uncertain significance. Last evaluated: 2022-11-15. Review status: criteria provided, single submitter. Criteria: ACMG Guidelines, 2015. Collection method: clinical testing. Allele origin: germline.

Mayo Clinic Laboratories, Mayo Clinic
Classification: Uncertain significance. Last evaluated: 2021-04-27. Review status: criteria provided, single submitter. Criteria: ACMG Guidelines, 2015. Collection method: clinical testing. Allele origin: germline.

Eurofins Ntd Llc (ga)
Classification: Uncertain significance. Last evaluated: 2018-07-05. Review status: criteria provided, single submitter. Criteria: EGL ClinVar v180209 classification definitions. Collection method: clinical testing. Allele origin: germline. Observed: 3 variant alleles, 3 heterozygotes.

PreventionGenetics, part of Exact Sciences
Classification: Uncertain significance for PEX10-related condition. Last evaluated: 2024-03-07. Review status: no assertion criteria provided. Collection method: clinical testing. Allele origin: germline. Not counted in ClinVar's aggregate classification.
Comment: The PEX10 c.116C>T variant is predicted to result in the amino acid substitution p.Ala39Val. To our knowledge, this variant has not been reported in the literature. This variant is reported in 0.072% of alleles in individuals of African descent in gnomAD. At this time, the clinical significance of this variant is uncertain due to the absence of conclusive functional and genetic evidence.